The following is an entry in ClinVar:

NM_015557.3(CHD5):c.5311C>T (p.Pro1771Ser)

Gene: CHD5 (chromodomain helicase DNA binding protein 5; minus strand). Cytogenetic location: 1p36.31.
Variant type: single nucleotide variant.
Coding change: c.5311C>T on transcript NM_015557.3 (MANE Select); coding-DNA position 5311, C replaced by T.
Protein change: p.Pro1771Ser; replaces proline 1771 with serine.
Molecular consequence: missense variant.
Genome position (GRCh38, 1-based): chr1:6,110,465, G>A on the plus strand (C>T on the coding strand, the complement: CHD5 is on the minus strand). VCF-style: chr1-6110465-G-A. GRCh37 (hg19) VCF-style: chr1-6170525-G-A.
Other names: short protein forms P1771S.
Identifiers: ClinVar variation 4076530 (VCV004076530.1).

ClinVar aggregate classification (germline): Uncertain significance (1 of 4 stars; one submission).

Submission:

GeneDx
Classification: Uncertain significance. Last evaluated: 2025-02-24. Review status: criteria provided, single submitter. Criteria: GeneDx Variant Classification Process June 2021. Collection method: clinical testing. Allele origin: germline. Affected: yes.
Comment: Not observed at significant frequency in large population cohorts (gnomAD); In silico analysis supports that this missense variant has a deleterious effect on protein structure/function; Has not been previously published as pathogenic or benign to our knowledge